The following is an entry in ClinVar:

NM_001399.5(EDA):c.64_71dup (p.Cys25fs)

Gene: EDA (ectodysplasin A; plus strand). Cytogenetic location: Xq13.1.
Variant type: Duplication.
Coding change: c.64_71dup on transcript NM_001399.5 (MANE Select); coding-DNA positions 64 to 71, 8 bases duplicated (AGCCAGGG; older notation c.64_71dupAGCCAGGG).
Protein change: p.Cys25fs; shifts the reading frame from cysteine 25.
Molecular consequence: frameshift variant.
Genome position (GRCh38, 1-based): chrX:69,616,372-69,616,379, AGCCAGGG duplicated; duplicating any 8 consecutive bases within chrX:69,616,368-69,616,379 gives the same sequence; the c. name uses the placement nearest the transcript's 3' end. VCF-style (leftmost placement, unchanged base first): chrX-69616367-G-GAGGGAGCC. GRCh37 (hg19) VCF-style: chrX-68836211-G-GAGGGAGCC.
Other names: c.64_71dup, p.Cys25fs (NM_001005609.2, NM_001005610.4, NM_001005612.3 and 1 more transcripts); c.64_71dup, p.Cys25Alafs (NM_001005615.1); short protein forms C25fs.
Identifiers: ClinVar variation 2737241 (VCV002737241.5), dbSNP rs2519669860, ClinGen allele CA2695234172.

ClinVar aggregate classification (germline): Pathogenic. Review status: criteria provided, multiple submitters, no conflicts (2 of 4 stars). 2 submissions from 2 submitters: Pathogenic (2). Last evaluated 2024-10-29.

Conditions:
Hypohidrotic X-linked ectodermal dysplasia (XHED). Also called: Ectodermal Dysplasia 1, Anhidrotic; Anhidrotic ectodermal dysplasia X-linked; Christ Siemens Touraine syndrome; ECTODERMAL DYSPLASIA 1; Christ-Siemans-Touraine syndrome; ECTODERMAL DYSPLASIA 1, HYPOHIDROTIC, X-LINKED. Identifiers: Orphanet 181, Orphanet 238468, MedGen C0162359, MONDO:0010585, OMIM 305100.

Submissions (2):

Labcorp Genetics (formerly Invitae), Labcorp
Classification: Pathogenic for Hypohidrotic X-linked ectodermal dysplasia. Last evaluated: 2024-10-29. Review status: criteria provided, single submitter. Criteria: Invitae Variant Classification Sherloc (09022015). Collection method: clinical testing. Allele origin: germline.
Comment: This sequence change creates a premature translational stop signal (p.Cys25Alafs*35) in the EDA gene. It is expected to result in an absent or disrupted protein product. Loss-of-function variants in EDA are known to be pathogenic (PMID: 9683615). This variant is not present in population databases (gnomAD no frequency). This premature translational stop signal has been observed in individual(s) with ectodermal dysplasia (PMID: 27305980). ClinVar contains an entry for this variant (Variation ID: 2737241). For these reasons, this variant has been classified as Pathogenic.

Juno Genomics, Hangzhou Juno Genomics, Inc
Classification: Pathogenic for Hypohidrotic X-linked ectodermal dysplasia. Review status: criteria provided, single submitter. Criteria: ACMG Guidelines, 2015. Collection method: clinical testing. Allele origin: germline. Affected: yes.
Comment: Null variant in a gene where loss of function (LOF) is a known mechanism of disease.;Absent from controls (or at extremely low frequency if recessive) in Genome Aggregation Database, Exome Sequencing Project, 1000 Genomes Project, or Exome Aggregation Consortium.;The prevalence of the variant in affected individuals is significantly increased compared to the prevalence in controls.;Patient's phenotype or family history is highly specific for a disease with a single genetic etiology.

Literature cited by the submitters: PubMed 9683615 (cited by Labcorp Genetics (formerly Invitae), Labcorp); PubMed 27305980 (cited by Labcorp Genetics (formerly Invitae), Labcorp).